The following is an entry in ClinVar:

ClinVar aggregate classification (germline): Likely benign (1 of 4 stars; one submission).

Submission:

GeneDx
Classification: Likely benign. Last evaluated: 2016-10-14. Review status: criteria provided, single submitter. Criteria: GeneDx Variant Classification (06012015). Collection method: clinical testing. Allele origin: germline. Affected: yes.
Comment: This variant is considered likely benign or benign based on one or more of the following criteria: it is a conservative change, it occurs at a poorly conserved position in the protein, it is predicted to be benign by multiple in silico algorithms, and/or has population frequency not consistent with disease.

NM_001267550.2(TTN):c.103968G>C (p.Gly34656=)

Genes: TTN (titin; minus strand), TTN-AS1 (TTN antisense RNA 1; plus strand). Cytogenetic location: 2q31.2.
Variant type: single nucleotide variant.
Coding change: c.103968G>C on transcript NM_001267550.2 (MANE Select); coding-DNA position 103968, G replaced by C.
Protein change: p.Gly34656=; no amino-acid change (glycine 34656 retained).
Molecular consequence: synonymous variant.
Genome position (GRCh38, 1-based): chr2:178,532,647, C>G on the plus strand (G>C on the coding strand, the complement: TTN is on the minus strand). VCF-style: chr2-178532647-C-G. GRCh37 (hg19) VCF-style: chr2-179397374-C-G.
Other names: c.99045G>C, p.Gly33015= (NM_001256850.1); c.76773G>C, p.Gly25591= (NM_003319.4); c.96264G>C, p.Gly32088= (NM_133378.4); c.77148G>C, p.Gly25716= (NM_133432.3); c.77349G>C, p.Gly25783= (NM_133437.4).
Identifiers: ClinVar variation 390015 (VCV000390015.1), dbSNP rs1057523617, ClinGen allele CA16603981.
Genomic context (GRCh38, chr2:178,532,647, plus strand): 5'-TGTTCTTTTCATTGCTAAGTAGTCATCAATGGGGAGGAGTAATTCTTCATCAGAGATGTC[C>G]CCAAGAGAACGTCTTCTAGGTCGGTAGTAAAAGTCATAATCAGGAGAAGGTGTACGCCGG-3'
Protein context (NP_001254479.2, residues 34646-34666): FYYRPRRRSL[Gly34656=]DISDEELLLP